The following is an entry in ClinVar:

ClinVar aggregate classification (germline): Pathogenic. Review status: criteria provided, multiple submitters, no conflicts (2 of 4 stars). 3 submissions from 3 submitters: Pathogenic (3). Last evaluated 2025-03-25.

Conditions:
Neuropathy, congenital hypomyelinating, 3. Identifiers: MedGen C4748608, MONDO:0020766, OMIM 618186.
Lethal congenital contracture syndrome 7 (LCCS7). Identifiers: MedGen C4225386, MONDO:0014569, OMIM 616286.

gnomAD v4.1: 10 of 1,613,980 alleles (0.00062%); highest among the groups gnomAD compares: Middle Eastern, 0.016%; no homozygotes.

Submissions (3):

First Genomix Gene Laboratory, Genetic Diagnostics Department
Classification: Pathogenic for Neuropathy, congenital hypomyelinating, 3; Lethal congenital contracture syndrome 7. Last evaluated: 2025-03-25. Review status: criteria provided, single submitter. Criteria: ACMG Guidelines, 2015. Collection method: clinical testing. Allele origin: germline. Inheritance: Autosomal recessive inheritance. Affected: no. Observed: 1 variant allele.

Victorian Clinical Genetics Services, Murdoch Childrens Research Institute
Classification: Pathogenic for Neuropathy, congenital hypomyelinating, 3. Last evaluated: 2024-10-09. Review status: criteria provided, single submitter. Criteria: ACMG Guidelines, 2015. Collection method: clinical testing. Allele origin: germline. Inheritance: Autosomal recessive inheritance.
Comment: Based on the classification scheme VCGS_Germline_v1.3.4, this variant is classified as Pathogenic. Following criteria are met: 0102 - Loss of function is a known mechanism of disease in this gene and is associated with hypomyelinating neuropathy, congenital, 3 (MIM#618186) and lethal congenital contracture syndrome 7 (MIM#616286). (I) 0106 - This gene is associated with autosomal recessive disease. (I) 0201 - Variant is predicted to cause nonsense-mediated decay (NMD) and loss of protein (premature termination codon is located at least 54 nucleotides upstream of the final exon-exon junction). (SP) 0251 - This variant is heterozygous. (I) 0304 - Variant is present in gnomAD (v3) <0.01 for a recessive condition (2 heterozygotes, 0 homozygotes). (SP) 0701 - Other NMD-predicted variants comparable to the one identified in this case have very strong previous evidence for pathogenicity. Many NMD-predicted variants have been reported as pathogenic in affected individuals (ClinVar). (SP) 0803 - This variant has limited previous evidence of pathogenicity in unrelated individuals. This variant has been reported twice in affected individuals (ClinVar, PMID: 32328110). (SP) 0906 - Segregation evidence for this variant is inconclusive. This variant was seen in the homozygous state in one individual (bi-paternal inheritance) however the two healthy siblings of this individual were not tested, so it could not be determined whether this variant segregated with disease in this family (PMID: 32328110). (I) 1007 - No published functional evidence has been identified for this variant. (I) Legend: (SP) - Supporting pathogenic, (I) - Information, (SB) - Supporting benign

GeneDx
Classification: Pathogenic. Last evaluated: 2020-02-12. Review status: criteria provided, single submitter. Criteria: GeneDx Variant Classification Process June 2021. Collection method: clinical testing. Allele origin: germline. Affected: yes.
Comment: Nonsense variant predicted to result in protein truncation or nonsense mediated decay in a gene for which loss-of-function is a known mechanism of disease; Not observed at a significant frequency in large population cohorts (Lek et al., 2016); This variant is associated with the following publications: (PMID: 32328110, 30293248)

Literature cited by the submitters: PubMed 32328110 (cited by Victorian Clinical Genetics Services, Murdoch Childrens Research Institute).

NM_003632.3(CNTNAP1):c.3361C>T (p.Arg1121Ter)

Gene: CNTNAP1 (contactin associated protein 1; plus strand). Cytogenetic location: 17q21.2.
Variant type: single nucleotide variant.
Coding change: c.3361C>T on transcript NM_003632.3 (MANE Select); coding-DNA position 3361, C replaced by T.
Protein change: p.Arg1121Ter; replaces arginine 1121 with a stop codon.
Molecular consequence: nonsense.
Genome position (GRCh38, 1-based): chr17:42,696,039, C>T. VCF-style: chr17-42696039-C-T. GRCh37 (hg19) VCF-style: chr17-40848057-C-T.
Other names: short protein forms R1121*.
Identifiers: ClinVar variation 1219168 (VCV001219168.5), dbSNP rs142756549, ClinGen allele CA8582306.